The following is an entry in ClinVar:

NM_001374504.1(TMPRSS6):c.1687G>A (p.Gly563Ser)

Gene: TMPRSS6 (transmembrane serine protease 6; minus strand). Cytogenetic location: 22q12.3.
Variant type: single nucleotide variant.
Coding change: c.1687G>A on transcript NM_001374504.1 (MANE Select); coding-DNA position 1687, G replaced by A.
Protein change: p.Gly563Ser; replaces glycine 563 with serine.
Molecular consequence: missense variant.
Genome position (GRCh38, 1-based): chr22:37,070,638, C>T on the plus strand (G>A on the coding strand, the complement: TMPRSS6 is on the minus strand). VCF-style: chr22-37070638-C-T. GRCh37 (hg19) VCF-style: chr22-37466678-C-T.
Other names: c.1687G>A, p.Gly563Ser (NM_001289000.2, NM_001289001.2, NM_153609.4); c.1714G>A (NM_153609.3); short protein forms G563S.
Identifiers: ClinVar variation 903101 (VCV000903101.7), dbSNP rs148129773, ClinGen allele CA10215497.

ClinVar aggregate classification (germline): Uncertain significance. Review status: criteria provided, multiple submitters, no conflicts (2 of 4 stars). 4 submissions from 4 submitters: Uncertain significance (4). Last evaluated 2024-01-16.

Conditions:
Microcytic anemia. Identifiers: MedGen C5194182, MONDO:0001245, HP:0001935. Disease mechanism: loss of function.
Inborn genetic diseases. Identifiers: MedGen C0950123, MeSH D030342.

Allele frequency attached by ClinVar (database versions not stated): 1000 Genomes Project 30x 0.00016; 1000 Genomes Project 0.00020; ExAC 0.00029; ESP Exome Variant Server 0.00038; gnomAD exomes 0.00039 and 0.00093; TOPMed 0.00043; gnomAD 0.00052 and 0.00058.
gnomAD v4.1: 1,417 of 1,612,898 alleles (0.088%); highest among the groups gnomAD compares: Non-Finnish European, 0.11%; no homozygotes.

Submissions (4):

GeneDx
Classification: Uncertain significance. Last evaluated: 2024-01-16. Review status: criteria provided, single submitter. Criteria: GeneDx Variant Classification Process June 2021. Collection method: clinical testing. Allele origin: germline. Affected: yes.
Comment: In silico analysis supports that this missense variant does not alter protein structure/function; This variant is associated with the following publications: (PMID: 35893046)

Labcorp Genetics (formerly Invitae), Labcorp
Classification: Uncertain significance. Last evaluated: 2022-03-31. Review status: criteria provided, single submitter. Criteria: Invitae Variant Classification Sherloc (09022015). Collection method: clinical testing. Allele origin: germline.
Comment: This sequence change replaces glycine, which is neutral and non-polar, with serine, which is neutral and polar, at codon 572 of the TMPRSS6 protein (p.Gly572Ser). This variant is present in population databases (rs148129773, gnomAD 0.08%). This variant has not been reported in the literature in individuals affected with TMPRSS6-related conditions. ClinVar contains an entry for this variant (Variation ID: 903101). Algorithms developed to predict the effect of missense changes on protein structure and function are either unavailable or do not agree on the potential impact of this missense change (SIFT: "Deleterious"; PolyPhen-2: "Benign"; Align-GVGD: "Class C0"). In summary, the available evidence is currently insufficient to determine the role of this variant in disease. Therefore, it has been classified as a Variant of Uncertain Significance.

Ambry Genetics
Classification: Uncertain significance for Inborn genetic diseases. Last evaluated: 2021-09-01. Review status: criteria provided, single submitter. Criteria: Ambry Variant Classification Scheme 2023. Collection method: clinical testing. Allele origin: germline.

Illumina Laboratory Services, Illumina
Classification: Uncertain significance for Iron-refractory iron deficiency anemia. Last evaluated: 2018-01-13. Review status: criteria provided, single submitter. Criteria: ICSL Variant Classification Criteria 13 December 2019. Collection method: clinical testing. Allele origin: germline.